The following is an entry in ClinVar:

NM_006922.4(SCN3A):c.922G>A (p.Val308Ile)

Gene: SCN3A (sodium voltage-gated channel alpha subunit 3; minus strand). Cytogenetic location: 2q24.3.
Variant type: single nucleotide variant.
Coding change: c.922G>A on transcript NM_006922.4 (MANE Select); coding-DNA position 922, G replaced by A.
Protein change: p.Val308Ile; replaces valine 308 with isoleucine.
Molecular consequence: missense variant.
Genome position (GRCh38, 1-based): chr2:165,162,601, C>T on the plus strand (G>A on the coding strand, the complement: SCN3A is on the minus strand). VCF-style: chr2-165162601-C-T. GRCh37 (hg19) VCF-style: chr2-166019111-C-T.
Other names: c.922G>A, p.Val308Ile (NM_001081676.2, NM_001081677.2); short protein forms V308I.
Identifiers: ClinVar variation 653215 (VCV000653215.8), dbSNP rs1574267434, ClinGen allele CA349238952.

ClinVar aggregate classification (germline): Uncertain significance (1 of 4 stars; one submission).

Allele frequency attached by ClinVar (database versions not stated): gnomAD exomes 0.00001.
gnomAD v4.1: 3 of 1,614,126 alleles (0.00019%); highest among the groups gnomAD compares: East Asian, 0.0067%; no homozygotes.

Submission:

Labcorp Genetics (formerly Invitae), Labcorp
Classification: Uncertain significance. Last evaluated: 2018-10-18. Review status: criteria provided, single submitter. Criteria: Invitae Variant Classification Sherloc (09022015). Collection method: clinical testing. Allele origin: germline.
Comment: This sequence change replaces valine with isoleucine at codon 308 of the SCN3A protein (p.Val308Ile). The valine residue is moderately conserved and there is a small physicochemical difference between valine and isoleucine. In summary, the available evidence is currently insufficient to determine the role of this variant in disease. Therefore, it has been classified as a Variant of Uncertain Significance. Algorithms developed to predict the effect of missense changes on protein structure and function output the following: SIFT: "Tolerated"; PolyPhen-2: "Benign"; Align-GVGD: "Class C0". The isoleucine amino acid residue is found in multiple mammalian species, suggesting that this missense change does not adversely affect protein function. These predictions have not been confirmed by published functional studies and their clinical significance is uncertain. This variant has not been reported in the literature in individuals with SCN3A-related disease. This variant is not present in population databases (ExAC no frequency).